The following is an entry in ClinVar:

NM_001370259.2(MEN1):c.655-5del

Gene: MEN1 (menin 1; minus strand). Cytogenetic location: 11q13.1.
Variant type: Deletion.
Coding change: c.655-5del on transcript NM_001370259.2 (MANE Select); 5 bases into the intron before coding-DNA position 655, one base deleted (C; older notation c.655-5delC).
Molecular consequence: intron variant.
Genome position (GRCh38, 1-based): chr11:64,807,685, G deleted on the plus strand (C on the coding strand, the reverse complement: MEN1 is on the minus strand); the first of 7 consecutive G bases (chr11:64,807,685-64,807,691); deleting any one gives the same sequence. VCF-style (leftmost placement, unchanged base first): chr11-64807684-AG-A. GRCh37 (hg19) VCF-style: chr11-64575156-AG-A.
Other names: c.670-5del (NM_130804.3, NM_130803.3, NM_000244.4 and 3 more transcripts); c.655-5del (NM_130799.3, NM_001370260.2, NM_001370251.2 and 1 more transcripts); c.550-5del (NM_001370263.2, NM_001370262.2); c.670-5delC (NM_000244.3); c.655-5delC (NM_130799.2).
Identifiers: ClinVar variation 1541839 (VCV001541839.38), dbSNP rs772016629, ClinGen allele CA061421.

ClinVar aggregate classification (germline): Benign/Likely benign. Review status: criteria provided, multiple submitters, no conflicts (2 of 4 stars). 4 submissions from 4 submitters: Benign (1); Likely benign (2). 1 of the submissions does not count toward it. Last evaluated 2026-02-03.

Conditions:
MEN1-related disorder. Also called: MEN1-related condition.
Multiple endocrine neoplasia, type 1 (MEN1). Also called: MEN I; WERMER SYNDROME; Endocrine adenomatosis multiple; MEN 1; MEA I. Identifiers: Orphanet 652, MedGen C0025267, MeSH D018761, MONDO:0007540, OMIM 131100.
Hereditary cancer-predisposing syndrome. Also called: Tumor predisposition; Neoplastic Syndromes, Hereditary; Hereditary Cancer Syndrome; Hereditary neoplastic syndrome. Identifiers: Orphanet 140162, MedGen C0027672, MeSH D009386, MONDO:0015356.

Submissions (4):

Labcorp Genetics (formerly Invitae), Labcorp
Classification: Benign for Multiple endocrine neoplasia, type 1. Last evaluated: 2026-02-03. Review status: criteria provided, single submitter. Criteria: Invitae Variant Classification Sherloc (09022015). Collection method: clinical testing. Allele origin: germline.

Ambry Genetics
Classification: Likely benign for Hereditary cancer-predisposing syndrome. Last evaluated: 2024-04-29. Review status: criteria provided, single submitter. Criteria: Ambry Variant Classification Scheme 2023. Collection method: clinical testing. Allele origin: germline.

CeGaT Center for Human Genetics Tuebingen
Classification: Likely benign. Last evaluated: 2023-03-01. Review status: criteria provided, single submitter. Criteria: CeGaT Center For Human Genetics Tuebingen Variant Classification Criteria Version 2. Collection method: clinical testing. Allele origin: germline. Affected: yes. Observed: 1 variant allele.
Comment: MEN1: BP4

PreventionGenetics, part of Exact Sciences
Classification: Likely benign for MEN1-related condition. Last evaluated: 2024-01-16. Review status: no assertion criteria provided. Collection method: clinical testing. Allele origin: germline. Not counted in ClinVar's aggregate classification.
Comment: This variant is classified as likely benign based on ACMG/AMP sequence variant interpretation guidelines (Richards et al. 2015 PMID: 25741868, with internal and published modifications).